The following is an entry in ClinVar:

ClinVar aggregate classification (germline): Likely benign (0 of 4 stars; one submission).

Conditions:
SASH1-related disorder. Also called: SASH1-related condition.

gnomAD v4.1: 64 of 1,613,904 alleles (0.004%); highest among the groups gnomAD compares: Admixed American, 0.005%; no homozygotes.

Submission:

PreventionGenetics, part of Exact Sciences
Classification: Likely benign for SASH1-related condition. Last evaluated: 2019-11-20. Review status: no assertion criteria provided. Collection method: clinical testing. Allele origin: germline.
Comment: This variant is classified as likely benign based on ACMG/AMP sequence variant interpretation guidelines (Richards et al. 2015 PMID: 25741868, with internal and published modifications).

NM_015278.5(SASH1):c.1806C>T (p.Val602=)

Gene: SASH1 (SAM and SH3 domain containing 1; plus strand). Cytogenetic location: 6q25.1.
Variant type: single nucleotide variant.
Coding change: c.1806C>T on transcript NM_015278.5 (MANE Select); coding-DNA position 1806, C replaced by T.
Protein change: p.Val602=; no amino-acid change (valine 602 retained).
Molecular consequence: synonymous variant.
Genome position (GRCh38, 1-based): chr6:148,533,842, C>T. VCF-style: chr6-148533842-C-T. GRCh37 (hg19) VCF-style: chr6-148854978-C-T.
Other names: c.1671C>T, p.Val557= (NM_001346505.2); c.1434C>T, p.Val478= (NM_001346506.2); c.1089C>T, p.Val363= (NM_001346507.2); c.1578C>T, p.Val526= (NM_001346508.2); c.1455C>T, p.Val485= (NM_001346509.2).
Identifiers: ClinVar variation 3354437 (VCV003354437.1).
Genomic context (GRCh38, chr6:148,533,842, plus strand): 5'-CATCGATATAATCAGCAAGCCACCCATGGGGACCTGGATGGGCCTGCTGAACAACAAAGT[C>T]GGCACGTTCAAGTTCATCTACGTGGACGTGCTCAGTGAAGACGAGGAGAAACCCAAACGC-3'
Protein context (NP_056093.3, residues 592-612): GTWMGLLNNK[Val602=]GTFKFIYVDV